The following is an entry in ClinVar:

ClinVar aggregate classification (germline): Uncertain significance (1 of 4 stars; one submission).

Conditions:
Congenital sideroblastic anemia-B-cell immunodeficiency-periodic fever-developmental delay syndrome. Also called: Sideroblastic anemia with B-cell immunodeficiency, periodic fevers, and developmental delay. Identifiers: Orphanet 369861, MedGen C4015172, MONDO:0014487, OMIM 616084.

Allele frequency attached by ClinVar (database versions not stated): TOPMed below 0.00001; gnomAD exomes 0.00001; ExAC 0.00002; gnomAD 0.00002; ESP Exome Variant Server 0.00008.
gnomAD v4.1: 13 of 1,613,634 alleles (0.00081%); highest among the groups gnomAD compares: Non-Finnish European, 0.000085%; no homozygotes.

Submission:

Labcorp Genetics (formerly Invitae), Labcorp
Classification: Uncertain significance for Congenital sideroblastic anemia-B-cell immunodeficiency-periodic fever-developmental delay syndrome. Last evaluated: 2022-08-08. Review status: criteria provided, single submitter. Criteria: Invitae Variant Classification Sherloc (09022015). Collection method: clinical testing. Allele origin: germline.
Comment: In summary, the available evidence is currently insufficient to determine the role of this variant in disease. Therefore, it has been classified as a Variant of Uncertain Significance. Algorithms developed to predict the effect of missense changes on protein structure and function (SIFT, PolyPhen-2, Align-GVGD) all suggest that this variant is likely to be tolerated. This variant has not been reported in the literature in individuals affected with TRNT1-related conditions. This variant is present in population databases (rs377244808, gnomAD 0.01%). This sequence change replaces aspartic acid, which is acidic and polar, with glycine, which is neutral and non-polar, at codon 338 of the TRNT1 protein (p.Asp338Gly).

NM_182916.3(TRNT1):c.1013A>G (p.Asp338Gly)

Gene: TRNT1 (tRNA nucleotidyl transferase 1; plus strand). Cytogenetic location: 3p26.2.
Variant type: single nucleotide variant.
Coding change: c.1013A>G on transcript NM_182916.3 (MANE Select); coding-DNA position 1013, A replaced by G.
Protein change: p.Asp338Gly; replaces aspartic acid 338 with glycine.
Molecular consequence: missense variant. On other transcripts: non-coding transcript variant (8).
Genome position (GRCh38, 1-based): chr3:3,147,660, A>G. VCF-style: chr3-3147660-A-G. GRCh37 (hg19) VCF-style: chr3-3189344-A-G.
Other names: c.953A>G, p.Asp318Gly (NM_001302946.2); c.1013A>G, p.Asp338Gly (NM_001367321.1, NM_001367322.1, NM_001367323.1); short protein forms D318G, D338G.
Identifiers: ClinVar variation 2416184 (VCV002416184.6), dbSNP rs377244808, ClinGen allele CA2228843.